The following is an entry in ClinVar:

NM_000038.6(APC):c.817A>T (p.Thr273Ser)

Gene: APC (APC regulator of Wnt signaling pathway; plus strand). Cytogenetic location: 5q22.2.
Variant type: single nucleotide variant.
Coding change: c.817A>T on transcript NM_000038.6 (MANE Select); coding-DNA position 817, A replaced by T.
Protein change: p.Thr273Ser; replaces threonine 273 with serine.
Molecular consequence: missense variant. On other transcripts: 5 prime UTR variant (4), non-coding transcript variant (2).
Genome position (GRCh38, 1-based): chr5:112,801,366, A>T. VCF-style: chr5-112801366-A-T. GRCh37 (hg19) VCF-style: chr5-112137063-A-T.
Other names: c.817A>T, p.Thr273Ser (NM_001127510.3, NM_001354895.2, NM_001354896.2 and 12 more transcripts); c.763A>T, p.Thr255Ser (NM_001127511.3); c.847A>T, p.Thr283Ser (NM_001354897.2, NM_001354902.2, NM_001407446.1); c.742A>T, p.Thr248Ser (NM_001354898.2, NM_001354904.2, NM_001407451.1); c.733A>T, p.Thr245Ser (NM_001354899.2, NM_001407452.1, NM_001407467.1 and 1 more transcripts); c.640A>T, p.Thr214Ser (NM_001354900.2, NM_001354901.2, NM_001354905.2 and 1 more transcripts); c.-219A>T (NM_001354906.2, NM_001407470.1, NM_001407471.1 and 1 more transcripts); short protein forms T214S, T255S, T248S, T283S, T245S, T273S.
Identifiers: ClinVar variation 3409814 (VCV003409814.1).

ClinVar aggregate classification (germline): Uncertain significance (1 of 4 stars; one submission).

Conditions:
Hereditary cancer-predisposing syndrome. Also called: Neoplastic Syndromes, Hereditary; Tumor predisposition; Hereditary Cancer Syndrome; Hereditary neoplastic syndrome. Identifiers: Orphanet 140162, MedGen C0027672, MeSH D009386, MONDO:0015356.

Submission:

Ambry Genetics
Classification: Uncertain significance for Hereditary cancer-predisposing syndrome. Last evaluated: 2024-07-26. Review status: criteria provided, single submitter. Criteria: Ambry Variant Classification Scheme 2023. Collection method: clinical testing. Allele origin: germline.
Comment: The p.T273S variant (also known as c.817A>T), located in coding exon 7 of the APC gene, results from an A to T substitution at nucleotide position 817. The threonine at codon 273 is replaced by serine, an amino acid with similar properties. This amino acid position is conserved. In addition, in silico predictors for this gene do not accurately predict pathogenicity. Based on the available evidence, the clinical significance of this variant remains unclear.